The following is an entry in ClinVar:

NM_002292.4(LAMB2):c.2019-8G>A

Gene: LAMB2 (laminin subunit beta 2; minus strand). Cytogenetic location: 3p21.31.
Variant type: single nucleotide variant.
Coding change: c.2019-8G>A on transcript NM_002292.4 (MANE Select); 8 bases into the intron before coding-DNA position 2019, G replaced by A.
Molecular consequence: intron variant.
Genome position (GRCh38, 1-based): chr3:49,126,505, C>T on the plus strand (G>A on the coding strand, the complement: LAMB2 is on the minus strand). VCF-style: chr3-49126505-C-T. GRCh37 (hg19) VCF-style: chr3-49163938-C-T.
Identifiers: ClinVar variation 704458 (VCV000704458.11), dbSNP rs377396194, ClinGen allele CA2394422.

ClinVar aggregate classification (germline): Likely benign. Review status: criteria provided, multiple submitters, no conflicts (2 of 4 stars). 2 submissions from 2 submitters: Likely benign (2). Last evaluated 2026-01-22.

Conditions:
LAMB2-related disorder. Also called: LAMB2-related condition.
LAMB2-related infantile-onset nephrotic syndrome. Also called: Nephrotic Syndrome, type 5; NEPHROTIC SYNDROME, TYPE 5, WITHOUT OCULAR ABNORMALITIES; NEPHROTIC SYNDROME, TYPE 5, WITH OCULAR ABNORMALITIES. Identifiers: Orphanet 306507, MedGen C3280113, MONDO:0013621, OMIM 614199.
Pierson syndrome. Also called: MICROCORIA-CONGENITAL NEPHROTIC SYNDROME. Identifiers: Orphanet 2670, MedGen C1836876, MONDO:0012184, OMIM 609049.

Allele frequency attached by ClinVar (database versions not stated): ExAC 0.00012; ESP Exome Variant Server 0.00015; gnomAD 0.00001 and 0.00002; gnomAD exomes 0.00004 and 0.00011; TOPMed 0.00004.
gnomAD v4.1: 60 of 1,613,848 alleles (0.0037%); highest among the groups gnomAD compares: East Asian, 0.053%; no homozygotes.

Submissions (2):

Labcorp Genetics (formerly Invitae), Labcorp
Classification: Likely benign for LAMB2-related infantile-onset nephrotic syndrome; Pierson syndrome. Last evaluated: 2026-01-22. Review status: criteria provided, single submitter. Criteria: Invitae Variant Classification Sherloc (09022015). Collection method: clinical testing. Allele origin: germline.

PreventionGenetics, part of Exact Sciences
Classification: Likely benign for LAMB2-related condition. Last evaluated: 2024-10-13. Review status: criteria provided, single submitter. Criteria: ACMG Guidelines, 2015. Collection method: clinical testing. Allele origin: germline.
Comment: This variant is classified as likely benign based on ACMG/AMP sequence variant interpretation guidelines (Richards et al. 2015 PMID: 25741868, with internal and published modifications).